The following is an entry in ClinVar:

NM_001374828.1(ARID1B):c.3908C>T (p.Pro1303Leu)

Gene: ARID1B (AT-rich interaction domain 1B; plus strand). Cytogenetic location: 6q25.3.
Variant type: single nucleotide variant.
Coding change: c.3908C>T on transcript NM_001374828.1 (MANE Select); coding-DNA position 3908, C replaced by T.
Protein change: p.Pro1303Leu; replaces proline 1303 with leucine.
Molecular consequence: missense variant.
Genome position (GRCh38, 1-based): chr6:157,184,424, C>T. VCF-style: chr6-157184424-C-T. GRCh37 (hg19) VCF-style: chr6-157505558-C-T.
Other names: c.3539C>T (NM_020732.3); c.1409C>T, p.Pro470Leu (NM_001363725.2); c.3788C>T, p.Pro1263Leu (NM_001371656.1, NM_001374820.1); c.3749C>T, p.Pro1250Leu (NM_017519.3); short protein forms P1263L, P470L, P1250L, P1303L.
Identifiers: ClinVar variation 3784324 (VCV003784324.2).

ClinVar aggregate classification (germline): Uncertain significance. Review status: criteria provided, multiple submitters, no conflicts (2 of 4 stars). 2 submissions from 2 submitters: Uncertain significance (2). Last evaluated 2025-04-03.

Conditions:
Inborn genetic diseases. Identifiers: MedGen C0950123, MeSH D030342.

Submissions (2):

Labcorp Genetics (formerly Invitae), Labcorp
Classification: Uncertain significance. Last evaluated: 2025-04-03. Review status: criteria provided, single submitter. Criteria: Invitae Variant Classification Sherloc (09022015). Collection method: clinical testing. Allele origin: germline.
Comment: This sequence change replaces proline, which is neutral and non-polar, with leucine, which is neutral and non-polar, at codon 1180 of the ARID1B protein (p.Pro1180Leu). This variant is not present in population databases (gnomAD no frequency). This variant has not been reported in the literature in individuals affected with ARID1B-related conditions. Invitae Evidence Modeling of protein sequence and biophysical properties (such as structural, functional, and spatial information, amino acid conservation, physicochemical variation, residue mobility, and thermodynamic stability) indicates that this missense variant is not expected to disrupt ARID1B protein function with a negative predictive value of 95%. In summary, the available evidence is currently insufficient to determine the role of this variant in disease. Therefore, it has been classified as a Variant of Uncertain Significance.

Ambry Genetics
Classification: Uncertain significance for Inborn genetic diseases. Last evaluated: 2025-02-07. Review status: criteria provided, single submitter. Criteria: Ambry Variant Classification Scheme 2023. Collection method: clinical testing. Allele origin: germline.